The following is an entry in ClinVar:

NM_003114.5(SPAG1):c.1096A>T (p.Lys366Ter)

Gene: SPAG1 (sperm associated antigen 1; plus strand). Cytogenetic location: 8q22.2.
Variant type: single nucleotide variant.
Coding change: c.1096A>T on transcript NM_003114.5 (MANE Select); coding-DNA position 1096, A replaced by T.
Protein change: p.Lys366Ter; replaces lysine 366 with a stop codon.
Molecular consequence: nonsense.
Genome position (GRCh38, 1-based): chr8:100,194,268, A>T. VCF-style: chr8-100194268-A-T. GRCh37 (hg19) VCF-style: chr8-101206496-A-T.
Other names: c.1096A>T, p.Lys366Ter (NM_172218.3, NM_001374321.1); short protein forms K366*.
Identifiers: ClinVar variation 935837 (VCV000935837.7), dbSNP rs747483177, ClinGen allele CA4827437.

ClinVar aggregate classification (germline): Pathogenic (1 of 4 stars; one submission).

Conditions:
Primary ciliary dyskinesia 28. Also called: CILIARY DYSKINESIA, PRIMARY, 28, WITH OR WITHOUT SITUS INVERSUS. Identifiers: Orphanet 244, MedGen C3809706, MONDO:0014216, OMIM 615505.

Allele frequency attached by ClinVar (database versions not stated): ExAC 0.00001; gnomAD 0.00001; gnomAD exomes 0.00001.
gnomAD v4.1: 4 of 1,607,580 alleles (0.00025%); highest among the groups gnomAD compares: Admixed American, 0.0067%; no homozygotes.

Submission:

Labcorp Genetics (formerly Invitae), Labcorp
Classification: Pathogenic for Primary ciliary dyskinesia 28. Last evaluated: 2019-06-21. Review status: criteria provided, single submitter. Criteria: Invitae Variant Classification Sherloc (09022015). Collection method: clinical testing. Allele origin: germline.
Comment: For these reasons, this variant has been classified as Pathogenic. Loss-of-function variants in SPAG1 are known to be pathogenic (PMID: 24055112). This variant has not been reported in the literature in individuals with SPAG1-related conditions. This variant is present in population databases (rs747483177, ExAC 0.01%). This sequence change creates a premature translational stop signal (p.Lys366*) in the SPAG1 gene. It is expected to result in an absent or disrupted protein product.

Literature cited by the submitters: PubMed 24055112.